The following is an entry in ClinVar:

ClinVar aggregate classification (germline): Uncertain significance (1 of 4 stars; one submission).

Conditions:
Cardiovascular phenotype. Identifiers: MedGen CN230736.

Allele frequency attached by ClinVar (database versions not stated): ExAC 0.00001; 1000 Genomes Project 0.00020; 1000 Genomes Project 30x 0.00031.
gnomAD v4.1: 12 of 1,613,992 alleles (0.00074%); highest among the groups gnomAD compares: East Asian, 0.0022%; no homozygotes.

Submission:

Ambry Genetics
Classification: Uncertain significance for Cardiovascular phenotype. Last evaluated: 2019-03-01. Review status: criteria provided, single submitter. Criteria: Ambry Variant Classification Scheme 2023. Collection method: clinical testing. Allele origin: germline.
Comment: The p.R779W variant (also known as c.2335C>T), located in coding exon 18 of the MYH6 gene, results from a C to T substitution at nucleotide position 2335. The arginine at codon 779 is replaced by tryptophan, an amino acid with dissimilar properties. This amino acid position is highly conserved in available vertebrate species. In addition, this alteration is predicted to be deleterious by in silico analysis. Since supporting evidence is limited at this time, the clinical significance of this alteration remains unclear.

NM_002471.4(MYH6):c.2335C>T (p.Arg779Trp)

Gene: MYH6 (myosin heavy chain 6; minus strand). Cytogenetic location: 14q11.2.
Variant type: single nucleotide variant.
Coding change: c.2335C>T on transcript NM_002471.4 (MANE Select); coding-DNA position 2335, C replaced by T.
Protein change: p.Arg779Trp; replaces arginine 779 with tryptophan.
Molecular consequence: missense variant.
Genome position (GRCh38, 1-based): chr14:23,396,378, G>A on the plus strand (C>T on the coding strand, the complement: MYH6 is on the minus strand). VCF-style: chr14-23396378-G-A. GRCh37 (hg19) VCF-style: chr14-23865587-G-A.
Other names: short protein forms R779W.
Identifiers: ClinVar variation 1789768 (VCV001789768.2), dbSNP rs182951502, ClinGen allele CA7115497.
Genomic context (GRCh38, chr14:23,396,378, plus strand): 5'-TGAGCTGGCCCCGGGCTTGGGCCTGCATGCGCGTGATGATGCGGCTCAGCCTCTCATCCC[G>A]CATCTCCTCCAGCAGCCCAAGCAGCCCTGCCTTGAAGAACACCTGCAGGCAAGGGGTAGA-3'
Protein context (NP_002462.2, residues 769-789): AGLLGLLEEM[Arg779Trp]DERLSRIITR